The following is an entry in ClinVar:

NM_000128.4(F11):c.596-7_600del

Gene: F11 (coagulation factor XI; plus strand). Cytogenetic location: 4q35.2.
Variant type: Deletion.
Coding change: c.596-7_600del on transcript NM_000128.4 (MANE Select); 7 bases into the intron before coding-DNA position 596 through coding-DNA position 600, 12 bases deleted (CGCGCAGCTTGT).
Molecular consequence: splice acceptor variant.
Genome position (GRCh38, 1-based): chr4:186,276,224-186,276,235, CGCGCAGCTTGT deleted; deleting any 12 consecutive bases within chr4:186,276,222-186,276,235 gives the same sequence; the c. name uses the placement nearest the transcript's 3' end. VCF-style (leftmost placement, unchanged base first): chr4-186276221-CGTCGCGCAGCTT-C. GRCh37 (hg19) VCF-style: chr4-187197375-CGTCGCGCAGCTT-C.
Other names: c.596-7_600del (NM_000128.3); c.596-7_600del12 (NM_000128.3).
Identifiers: ClinVar variation 371238 (VCV000371238.5), dbSNP rs1057517116, ClinGen allele CA16040944.
Genomic context (GRCh38, chr4:186,276,221, plus strand): 5'-ACATACTGTGACCGGAATTTTCCTGATAGCTGGTGAATTGAGTCCCTGACATAGTTCTTC[CGTCGCGCAGCTT>C]GTATTAGGGACATTTTCCCTAATACGGTGTTTGCAGACAGCAACATCGACAGTGTCATGG-3'

ClinVar aggregate classification (germline): Likely pathogenic. Review status: criteria provided, single submitter (1 of 4 stars). 2 submissions from 2 submitters: Likely pathogenic (1). 1 of the submissions does not count toward it. Last evaluated 2025-05-22.

Conditions:
Plasma factor XI deficiency.
Hereditary factor XI deficiency disease. Also called: PLASMA THROMBOPLASTIN ANTECEDENT DEFICIENCY; PTA DEFICIENCY; ROSENTHAL SYNDROME; Congenital factor XI deficiency. Identifiers: Orphanet 329, MedGen C0015523, MeSH D005173, MONDO:0012897, OMIM 612416.

Submissions (2):

Natera, Inc.
Classification: Likely pathogenic for Plasma factor XI deficiency. Last evaluated: 2025-05-22. Review status: criteria provided, single submitter. Criteria: Natera Variant Classification Schema (03/2026). Collection method: clinical testing. Allele origin: germline.
Comment: The c.596-7_600del variant in F11 is a deletion affecting a canonical splice acceptor site. This variant is expected to result in nonsense mediated decay, truncation, or a dysfunctional protein product. This variant is rare in the general population with a frequency below the threshold expected for the associated phenotype(s). Given the available evidence, this variant is classified as Likely Pathogenic.

Counsyl
Classification: Likely pathogenic for Hereditary factor XI deficiency disease. Last evaluated: 2016-08-03. Review status: no assertion criteria provided. Collection method: clinical testing. Allele origin: unknown. Not counted in ClinVar's aggregate classification.